The following is an entry in ClinVar:

NM_017780.4(CHD7):c.209A>G (p.Asp70Gly)

Gene: CHD7 (chromodomain helicase DNA binding protein 7; plus strand). Cytogenetic location: 8q12.2.
Variant type: single nucleotide variant.
Coding change: c.209A>G on transcript NM_017780.4 (MANE Select); coding-DNA position 209, A replaced by G.
Protein change: p.Asp70Gly; replaces aspartic acid 70 with glycine.
Molecular consequence: missense variant.
Genome position (GRCh38, 1-based): chr8:60,741,641, A>G. VCF-style: chr8-60741641-A-G. GRCh37 (hg19) VCF-style: chr8-61654200-A-G.
Other names: c.209A>G, p.Asp70Gly (NM_001316690.1); short protein forms D70G.
Identifiers: ClinVar variation 2168201 (VCV002168201.4), dbSNP rs2487259956, ClinGen allele CA371296412.
Genomic context (GRCh38, chr8:60,741,641, plus strand): 5'-TACAGCCATCCCTTCATCATCCTTCAACTAATCAAAATCAAACAAAGCTGACACATTTTG[A>G]TCACTATAATCAGTATGAACAACAAAAGATGCATCTGATGGATCAGCCGAACAGAATGAT-3'
Protein context (NP_060250.2, residues 60-80): NQNQTKLTHF[Asp70Gly]HYNQYEQQKM

ClinVar aggregate classification (germline): Uncertain significance (1 of 4 stars; one submission).

Conditions:
CHARGE syndrome (CHARGE). Also called: Hittner Hirsch Kreh syndrome; CHARGE ASSOCIATION--COLOBOMA, HEART ANOMALY, CHOANAL ATRESIA, RETARDATION, GENITAL AND EAR ANOMALIES; Coloboma, heart anomaly, choanal atresia, retardation, genital and ear anomalies; CHARGE association; Hall-Hittner syndrome. Identifiers: Orphanet 138, MedGen C0265354, MONDO:0008965.

Allele frequency attached by ClinVar (database versions not stated): gnomAD exomes below 0.00001.
gnomAD v4.1: 2 of 1,613,762 alleles (0.00012%); highest among the groups gnomAD compares: Non-Finnish European, 0.000085%; no homozygotes.

Submission:

Labcorp Genetics (formerly Invitae), Labcorp
Classification: Uncertain significance for CHARGE syndrome. Last evaluated: 2021-12-29. Review status: criteria provided, single submitter. Criteria: Invitae Variant Classification Sherloc (09022015). Collection method: clinical testing. Allele origin: germline.
Comment: In summary, the available evidence is currently insufficient to determine the role of this variant in disease. Therefore, it has been classified as a Variant of Uncertain Significance. Advanced modeling of protein sequence and biophysical properties (such as structural, functional, and spatial information, amino acid conservation, physicochemical variation, residue mobility, and thermodynamic stability) performed at Invitae indicates that this missense variant is not expected to disrupt CHD7 protein function. This variant has not been reported in the literature in individuals affected with CHD7-related conditions. This variant is not present in population databases (gnomAD no frequency). This sequence change replaces aspartic acid, which is acidic and polar, with glycine, which is neutral and non-polar, at codon 70 of the CHD7 protein (p.Asp70Gly).